The following is an entry in ClinVar:

ClinVar aggregate classification (germline): Likely benign (1 of 4 stars; one submission).

Submission:

CeGaT Center for Human Genetics Tuebingen
Classification: Likely benign. Last evaluated: 2025-12-01. Review status: criteria provided, single submitter. Criteria: CeGaT Center For Human Genetics Tuebingen Variant Classification Criteria Version 2. Collection method: clinical testing. Allele origin: germline. Affected: yes. Observed: 1 variant allele.
Comment: TMEM94: PM2:Supporting, BP4, BP7

NM_014738.6(TMEM94):c.699G>A (p.Gly233=)

Gene: TMEM94 (transmembrane protein 94; plus strand). Cytogenetic location: 17q25.1.
Variant type: single nucleotide variant.
Coding change: c.699G>A on transcript NM_014738.6 (MANE Select); coding-DNA position 699, G replaced by A.
Protein change: p.Gly233=; no amino-acid change (glycine 233 retained).
Molecular consequence: synonymous variant.
Genome position (GRCh38, 1-based): chr17:75,488,845, G>A. VCF-style: chr17-75488845-G-A. GRCh37 (hg19) VCF-style: chr17-73484926-G-A.
Other names: c.729G>A, p.Gly243= (NM_001321148.2, NM_001351203.2, NM_001438843.1 and 1 more transcripts); c.699G>A, p.Gly233= (NM_001321149.2, NM_001351202.2, NM_001438841.1 and 5 more transcripts).
Identifiers: ClinVar variation 4681829 (VCV004681829.5).